The following is an entry in ClinVar:

ClinVar aggregate classification (germline): Uncertain significance (1 of 4 stars; one submission).

Conditions:
Hereditary cancer-predisposing syndrome. Also called: Hereditary Cancer Syndrome; Hereditary neoplastic syndrome; Neoplastic Syndromes, Hereditary; Tumor predisposition. Identifiers: Orphanet 140162, MedGen C0027672, MeSH D009386, MONDO:0015356.

Submission:

Ambry Genetics
Classification: Uncertain significance for Hereditary cancer-predisposing syndrome. Last evaluated: 2015-11-10. Review status: criteria provided, single submitter. Criteria: Ambry Variant Classification Scheme 2023. Collection method: clinical testing. Allele origin: germline.
Comment: The p.T518S variant (also known as c.1552A>T), located in coding exon 4 of the MSH6 gene, results from an A to T substitution at nucleotide position 1552. The threonine at codon 518 is replaced by serine, an amino acid with similar properties. This variant was not reported in population based cohorts in the following databases: Database of Single Nucleotide Polymorphisms (dbSNP), NHLBI Exome Sequencing Project (ESP), and 1000 Genomes Project. In the ESP, this variant was not observed in 6503 samples (13006 alleles) with coverage at this position. To date, this alteration has been detected with an allele frequency of approximately 0.001% (greater than 115000 alleles tested) in our clinical cohort. This amino acid position is highly conserved in available vertebrate species. This alteration is predicted to be benign and tolerated by PolyPhen and SIFT in silico analyses, respectively. In addition, the CoDP in silico tool predicts this alteration to have minor impact on molecular function, with a score of 0.262 (Terui H et al. J. Biomed. Sci. 2013;20:25). Since supporting evidence is limited at this time, the clinical significance of p.T518S remains unclear.

NM_000179.3(MSH6):c.1552A>T (p.Thr518Ser)

Gene: MSH6 (mutS homolog 6; plus strand). Cytogenetic location: 2p16.3.
Variant type: single nucleotide variant.
Coding change: c.1552A>T on transcript NM_000179.3 (MANE Select); coding-DNA position 1552, A replaced by T.
Protein change: p.Thr518Ser; replaces threonine 518 with serine.
Molecular consequence: missense variant.
Genome position (GRCh38, 1-based): chr2:47,799,535, A>T. VCF-style: chr2-47799535-A-T. GRCh37 (hg19) VCF-style: chr2-48026674-A-T.
Other names: c.1162A>T, p.Thr388Ser (NM_001281492.2); c.646A>T, p.Thr216Ser (NM_001281493.2, NM_001281494.2, NM_001406811.1 and 6 more transcripts); c.1648A>T, p.Thr550Ser (NM_001406795.1, NM_001406802.1); c.1552A>T, p.Thr518Ser (NM_001406796.1, NM_001406798.1, NM_001406800.1 and 4 more transcripts); c.1255A>T, p.Thr419Ser (NM_001406797.1, NM_001406801.1, NM_001406805.1 and 10 more transcripts); c.1027A>T, p.Thr343Ser (NM_001406799.1, NM_001406806.1, NM_001406807.1); c.1474A>T, p.Thr492Ser (NM_001406804.1); c.1558A>T, p.Thr520Ser (NM_001406813.1); and 1 more; short protein forms T419S, T343S, T462S, T550S, T492S, T520S, T216S, T388S.
Identifiers: ClinVar variation 1775080 (VCV001775080.2), dbSNP rs2104351101, ClinGen allele CA346746668.